The following is an entry in ClinVar:

NM_000384.3(APOB):c.4862C>T (p.Ser1621Phe)

Gene: APOB (apolipoprotein B; minus strand). Cytogenetic location: 2p24.1.
Variant type: single nucleotide variant.
Coding change: c.4862C>T on transcript NM_000384.3 (MANE Select); coding-DNA position 4862, C replaced by T.
Protein change: p.Ser1621Phe; replaces serine 1621 with phenylalanine.
Molecular consequence: missense variant.
Genome position (GRCh38, 1-based): chr2:21,012,006, G>A on the plus strand (C>T on the coding strand, the complement: APOB is on the minus strand). VCF-style: chr2-21012006-G-A. GRCh37 (hg19) VCF-style: chr2-21234878-G-A.
Other names: short protein forms S1621F.
Identifiers: ClinVar variation 3749300 (VCV003749300.2).
Genomic context (GRCh38, chr2:21,012,006, plus strand): 5'-TGAGCACCACTATTAATTTTGTCAGTGCCTAAGATGTCAGCATTTAACTCAAGACCATGG[G>A]AATTTAGTGATCCAGAAAGCAGGCTGAAGAACCTCAATGACTCGTAATCAGCCTGATATT-3'
Protein context (NP_000375.3, residues 1611-1631): FFSLLSGSLN[Ser1621Phe]HGLELNADIL

ClinVar aggregate classification (germline): Uncertain significance (1 of 4 stars; one submission).

Conditions:
Familial hypobetalipoproteinemia 1. Also called: APOB-Related Familial Hypobetalipoproteinemia; Hypobetalipoproteinemia, normotriglyceridemic; Acanthocytosis with hypobetalipoproteinemia. Identifiers: MedGen C4551990, MONDO:0014252, OMIM 615558.
Hypercholesterolemia, autosomal dominant, type B (FHCL2). Also called: Familial Hypercholesterolemia Type B; APOLIPOPROTEIN B-100, FAMILIAL DEFECTIVE; APOLIPOPROTEIN B-100, FAMILIAL LIGAND-DEFECTIVE; HYPERCHOLESTEROLEMIA, FAMILIAL, DUE TO LIGAND-DEFECTIVE APOLIPOPROTEIN B; Hyperlipoproteinemia Type IIb; Familial hypercholesterolemia 2. Identifiers: MedGen C1704417, MONDO:0007751, OMIM 144010.

Submission:

Labcorp Genetics (formerly Invitae), Labcorp
Classification: Uncertain significance for Familial hypobetalipoproteinemia 1; Hypercholesterolemia, autosomal dominant, type B. Last evaluated: 2024-12-04. Review status: criteria provided, single submitter. Criteria: Invitae Variant Classification Sherloc (09022015). Collection method: clinical testing. Allele origin: germline.
Comment: This sequence change replaces serine, which is neutral and polar, with phenylalanine, which is neutral and non-polar, at codon 1621 of the APOB protein (p.Ser1621Phe). This variant is not present in population databases (gnomAD no frequency). This variant has not been reported in the literature in individuals affected with APOB-related conditions. Invitae Evidence Modeling of protein sequence and biophysical properties (such as structural, functional, and spatial information, amino acid conservation, physicochemical variation, residue mobility, and thermodynamic stability) indicates that this missense variant is not expected to disrupt APOB protein function with a negative predictive value of 95%. In summary, the available evidence is currently insufficient to determine the role of this variant in disease. Therefore, it has been classified as a Variant of Uncertain Significance.